The following is an entry in ClinVar:

NM_032444.4(SLX4):c.5153+6C>A

Gene: SLX4 (SLX4 structure-specific endonuclease subunit; minus strand). Cytogenetic location: 16p13.3.
Variant type: single nucleotide variant.
Coding change: c.5153+6C>A on transcript NM_032444.4 (MANE Select); 6 bases into the intron after coding-DNA position 5153, C replaced by A.
Molecular consequence: intron variant.
Genome position (GRCh38, 1-based): chr16:3,583,091, G>T on the plus strand (C>A on the coding strand, the complement: SLX4 is on the minus strand). VCF-style: chr16-3583091-G-T. GRCh37 (hg19) VCF-style: chr16-3633092-G-T.
Other names: c.5153+6C>A (LRG_503t1).
Identifiers: ClinVar variation 407918 (VCV000407918.16), dbSNP rs754209356, ClinGen allele CA7865419.

ClinVar aggregate classification (germline): Uncertain significance. Review status: criteria provided, multiple submitters, no conflicts (2 of 4 stars). 3 submissions from 3 submitters: Uncertain significance (3). Last evaluated 2024-10-15.

Conditions:
Fanconi anemia complementation group P. Also called: SLX4-Related Fanconi Anemia. Identifiers: Orphanet 84, MedGen C3469542, MONDO:0013499, OMIM 613951.
Fanconi anemia (FA). Also called: Fanconi's anemia. Identifiers: Orphanet 84, MedGen C0015625, MeSH D005199, MONDO:0019391.

Allele frequency attached by ClinVar (database versions not stated): TOPMed 0.00004.
gnomAD v4.1: 60 of 1,614,226 alleles (0.0037%); highest among the groups gnomAD compares: East Asian, 0.13%; no homozygotes.

Submissions (3):

Labcorp Genetics (formerly Invitae), Labcorp
Classification: Uncertain significance for Fanconi anemia. Last evaluated: 2024-10-15. Review status: criteria provided, single submitter. Criteria: Invitae Variant Classification Sherloc (09022015). Collection method: clinical testing. Allele origin: germline.
Comment: This sequence change falls in intron 14 of the SLX4 gene. It does not directly change the encoded amino acid sequence of the SLX4 protein. It affects a nucleotide within the consensus splice site. This variant is present in population databases (rs754209356, gnomAD 0.04%). This variant has not been reported in the literature in individuals affected with SLX4-related conditions. ClinVar contains an entry for this variant (Variation ID: 407918). Variants that disrupt the consensus splice site are a relatively common cause of aberrant splicing (PMID: 17576681, 9536098). Algorithms developed to predict the effect of sequence changes on RNA splicing suggest that this variant is not likely to affect RNA splicing. In summary, the available evidence is currently insufficient to determine the role of this variant in disease. Therefore, it has been classified as a Variant of Uncertain Significance.

Fulgent Genetics
Classification: Uncertain significance for Fanconi anemia complementation group P. Last evaluated: 2021-10-01. Review status: criteria provided, single submitter. Criteria: ACMG Guidelines, 2015. Collection method: clinical testing. Allele origin: unknown.

Illumina Laboratory Services, Illumina
Classification: Uncertain significance for Fanconi anemia complementation group P. Last evaluated: 2018-01-12. Review status: criteria provided, single submitter. Criteria: ICSL Variant Classification Criteria 13 December 2019. Collection method: clinical testing. Allele origin: germline.

Literature cited by the submitters: PubMed 17576681 (cited by Labcorp Genetics (formerly Invitae), Labcorp); PubMed 9536098 (cited by Labcorp Genetics (formerly Invitae), Labcorp).